The following is an entry in ClinVar:

ClinVar aggregate classification (germline): Likely pathogenic (1 of 4 stars; one submission).

Submission:

Labcorp Genetics (formerly Invitae), Labcorp
Classification: Likely pathogenic. Last evaluated: 2021-10-10. Review status: criteria provided, single submitter. Criteria: Invitae Variant Classification Sherloc (09022015). Collection method: clinical testing. Allele origin: germline.
Comment: This sequence change affects a splice site in intron 8 of the SLC9A3 gene. It is expected to disrupt RNA splicing. Variants that disrupt the donor or acceptor splice site typically lead to a loss of protein function (PMID: 16199547), and loss-of-function variants in SLC9A3 are known to be pathogenic (PMID: 26358773). This variant is not present in population databases (gnomAD no frequency). This variant has not been reported in the literature in individuals affected with SLC9A3-related conditions. In summary, the currently available evidence indicates that the variant is pathogenic, but additional data are needed to prove that conclusively. Therefore, this variant has been classified as Likely Pathogenic.

Literature cited by the submitters: PubMed 16199547; PubMed 26358773.

NM_004174.4(SLC9A3):c.1443_1446+150del

Gene: SLC9A3 (solute carrier family 9 member A3). Cytogenetic location: 5p15.33.
Variant type: Deletion.
Coding change: c.1443_1446+150del on transcript NM_004174.4 (MANE Select); coding-DNA position 1443 through 150 bases into the intron after coding-DNA position 1446, this stretch deleted.
Molecular consequence: splice donor variant.
Genome position: GRCh38: chr5:481,920-482,073. GRCh37 (hg19): chr5:482,035-482,188.
Other names: c.1416_1419+150del (NM_001284351.3).
Identifiers: ClinVar variation 1348279 (VCV001348279.6), dbSNP rs2126616654, ClinGen allele CA2573139575.